The following is an entry in ClinVar:

NM_000535.7(PMS2):c.2386G>A (p.Val796Ile)

Gene: PMS2 (PMS1 homolog 2, mismatch repair system component; minus strand). Cytogenetic location: 7p22.1.
Variant type: single nucleotide variant.
Coding change: c.2386G>A on transcript NM_000535.7 (MANE Select); coding-DNA position 2386, G replaced by A.
Protein change: p.Val796Ile; replaces valine 796 with isoleucine.
Molecular consequence: missense variant. On other transcripts: non-coding transcript variant (1).
Genome position (GRCh38, 1-based): chr7:5,977,647, C>T on the plus strand (G>A on the coding strand, the complement: PMS2 is on the minus strand). VCF-style: chr7-5977647-C-T. GRCh37 (hg19) VCF-style: chr7-6017278-C-T.
Other names: c.2386G>A (NM_000535.6); c.1981G>A, p.Val661Ile (NM_001322003.2, NM_001322004.2, NM_001322005.2); c.2230G>A, p.Val744Ile (NM_001322006.2); c.2068G>A, p.Val690Ile (NM_001322007.2, NM_001322008.2); c.2014G>A, p.Val672Ile (NM_001322009.2); c.1825G>A, p.Val609Ile (NM_001322010.2); c.1453G>A, p.Val485Ile (NM_001322011.2, NM_001322012.2); c.1813G>A, p.Val605Ile (NM_001322013.2); and 2 more; short protein forms V796I, V605I, V672I, V693I, V744I, V807I, V690I, V609I.
Identifiers: ClinVar variation 127781 (VCV000127781.31), dbSNP rs368737800, ClinGen allele CA011387.
Genomic context (GRCh38, chr7:5,977,647, plus strand): 5'-CCGACTTCCGGCAGGCTCTGGAGGCAAACATCTGCTTGACTCGGGAAGGCCGGCACATGA[C>T]CCCAGGGCTGTCGCTCAGCATGAAGATCAGTTCATCGACGTCCTGGGGTCCGAAGGTCCA-3'
Protein context (NP_000526.2, residues 786-806): LIFMLSDSPG[Val796Ile]MCRPSRVKQM

ClinVar aggregate classification (germline): Uncertain significance. Review status: criteria provided, multiple submitters, no conflicts (2 of 4 stars). 10 submissions from 10 submitters: Uncertain significance (9). 1 of the submissions does not count toward it. Last evaluated 2026-03-18.

Conditions:
PMS2-related disorder. Also called: PMS2-related condition.
Hereditary nonpolyposis colorectal neoplasms. Identifiers: MedGen C0009405, MeSH D003123.
Breast and/or ovarian cancer. Identifiers: MedGen CN221562.
Hereditary cancer-predisposing syndrome. Also called: Neoplastic Syndromes, Hereditary; Tumor predisposition; Hereditary Cancer Syndrome; Hereditary neoplastic syndrome. Identifiers: Orphanet 140162, MedGen C0027672, MeSH D009386, MONDO:0015356.
Lynch syndrome 4 (LYNCH4). Also called: Colorectal cancer, hereditary nonpolyposis, type 4; Hereditary non-polyposis colorectal cancer, type 4. Identifiers: Orphanet 144, MedGen C1838333, MONDO:0013699, OMIM 614337. Disease mechanism: loss of function.

Allele frequency attached by ClinVar (database versions not stated): gnomAD 0.00001 and 0.00002; gnomAD exomes 0.00002; ExAC 0.00003; TOPMed 0.00006; ESP Exome Variant Server 0.00008; 1000 Genomes Project 30x 0.00016; 1000 Genomes Project 0.00020.
gnomAD v4.1: 25 of 1,603,604 alleles (0.0016%); highest among the groups gnomAD compares: Non-Finnish European, 0.0021%; no homozygotes.

Submissions (10):

Ambry Genetics
Classification: Uncertain significance for Hereditary cancer-predisposing syndrome. Last evaluated: 2026-03-18. Review status: criteria provided, single submitter. Criteria: Ambry Variant Classification Scheme 2023. Collection method: clinical testing. Allele origin: germline.
Comment: The p.V796I variant (also known as c.2386G>A), located in coding exon 14 of the PMS2 gene, results from a G to A substitution at nucleotide position 2386. The valine at codon 796 is replaced by isoleucine, an amino acid with highly similar properties. This amino acid position is highly conserved in available vertebrate species. In addition, this alteration is predicted to be tolerated by in silico analysis. Based on the available evidence, the clinical significance of this variant remains unclear.

Labcorp Genetics (formerly Invitae), Labcorp
Classification: Uncertain significance for Hereditary nonpolyposis colorectal neoplasms. Last evaluated: 2026-01-11. Review status: criteria provided, single submitter. Criteria: Invitae Variant Classification Sherloc (09022015). Collection method: clinical testing. Allele origin: germline.
Comment: This sequence change replaces valine, which is neutral and non-polar, with isoleucine, which is neutral and non-polar, at codon 796 of the PMS2 protein (p.Val796Ile). The frequency data for this variant in the population databases (gnomAD) is considered unreliable due to the presence of homologous sequence, such as pseudogenes or paralogs, in the genome. This missense change has been observed in individual(s) with clinical features of Lynch syndrome or breast cancer (PMID: 25980754, 26976419, 38925456). ClinVar contains an entry for this variant (Variation ID: 127781). Invitae Evidence Modeling incorporating data from in vitro experimental studies (internal data) indicates that this missense variant is not expected to disrupt PMS2 function with a negative predictive value of 95%. In summary, the available evidence is currently insufficient to determine the role of this variant in disease. Therefore, it has been classified as a Variant of Uncertain Significance.

Quest Diagnostics Nichols Institute San Juan Capistrano
Classification: Uncertain significance. Last evaluated: 2025-04-03. Review status: criteria provided, single submitter. Criteria: Quest Diagnostics criteria. Collection method: clinical testing. Allele origin: unknown.
Comment: The PMS2 c.2386G>A (p.Val796Ile) variant has been reported in the published literature with another VUS variant PMS2: c.1723A>G (p.Asn575Asp) in individuals with lynch syndrome (PMID: 25980754 (2015)), colorectal cancer (PMID: 27978560 (2016)), and breast and/or ovarian cancer (PMID: 26976419 (2016), 32885271 (2021)). The frequency of this variant in the general population (Genome Aggregation Database) is uninformative in the assessment of its pathogenicity. Analysis of this variant using bioinformatics tools for the prediction of the effect of amino acid changes on protein structure and function yielded predictions that this variant is benign. Based on the available information, we are unable to determine the clinical significance of this variant.

PreventionGenetics, part of Exact Sciences
Classification: Uncertain significance for PMS2-related condition. Last evaluated: 2025-03-04. Review status: criteria provided, single submitter. Criteria: ACMG Guidelines, 2015. Collection method: clinical testing. Allele origin: germline.
Comment: The PMS2 c.2386G>A variant is predicted to result in the amino acid substitution p.Val796Ile. This variant has been reported in an individual with colorectal cancer (Pearlman et al. 2017. PubMed ID: 27978560, eTable 2), an individual with breast cancer (Tung et al. 2016. PubMed ID 26976419, Table A2), and an individual undergoing Lynch syndrome genetic testing (Yurgelun et al. 2015. PubMed ID: 25980754, Table S2). All three studies interpreted this variant as uncertain significance. Further, in all three studies this variant was identified in patients also carrying the PMS2 c.1723A>G (p.Asn575Asp) variant, suggesting these variants may be in cis (i.e. on the same allele). Internal data from PreventionGenetics supports this, as both PMS2 c.1723A>G and c.2386G>A have been identified together in several individuals undergoing hereditary cancer testing. This variant is reported in 0.0045% of alleles in individuals of European (Non-Finnish) descent in gnomAD and is interpreted as uncertain significance in ClinVar. At this time, the clinical significance of this variant is uncertain due to the absence of conclusive functional and genetic evidence.

Color Diagnostics, LLC DBA Color Health
Classification: Uncertain significance for Hereditary cancer-predisposing syndrome. Last evaluated: 2025-01-08. Review status: criteria provided, single submitter. Criteria: ACMG Guidelines, 2015. Collection method: clinical testing. Allele origin: germline.
Comment: This missense variant replaces valine with isoleucine at codon 796 of the PMS2 protein. Computational prediction suggests that this variant may not impact protein structure and function. To our knowledge, functional studies have not been reported for this variant. This variant has been identified in an individual affected with early onset colorectal cancer whose tumor demonstrated mismatch repair proficiency (PMID: 27978560), as well as individuals affected with breast cancer (PMID: 26976419) and Lynch syndrome-associated cancer and/or polyps (PMID: 25980754). This variant has been identified in 5/245522 chromosomes in the general population by the Genome Aggregation Database (gnomAD). The available evidence is insufficient to determine the role of this variant in disease conclusively. Therefore, this variant is classified as a Variant of Uncertain Significance.

GeneDx
Classification: Uncertain significance. Last evaluated: 2024-08-06. Review status: criteria provided, single submitter. Criteria: GeneDx Variant Classification Process June 2021. Collection method: clinical testing. Allele origin: germline. Affected: yes.
Comment: Observed with PMS2 p.(N575D) in individuals with breast cancer, colon cancer, or other Lynch syndrome-related cancer and/or polyps (PMID: 25980754, 26976419, 27978560); In silico analysis indicates that this missense variant does not alter protein structure/function; This variant is associated with the following publications: (PMID: 27978560, 26976419, 25980754, Fukui2011[Chapter])

Baylor Genetics
Classification: Uncertain significance for Lynch syndrome 4. Last evaluated: 2024-02-11. Review status: criteria provided, single submitter. Criteria: ACMG Guidelines, 2015. Collection method: clinical testing. Allele origin: unknown.

Women's Health and Genetics/Laboratory Corporation of America, LabCorp
Classification: Uncertain significance. Last evaluated: 2023-08-14. Review status: criteria provided, single submitter. Criteria: LabCorp Variant Classification Summary - May 2015. Collection method: clinical testing. Allele origin: germline.
Comment: Variant summary: PMS2 c.2386G>A (p.Val796Ile) results in a conservative amino acid change located in the MutL C-terminal dimerisation domain (IPR014790) of the encoded protein sequence. Four of five in-silico tools predict a benign effect of the variant on protein function. The variant allele was found at a frequency of 2e-05 in 245522 control chromosomes. The available data on variant occurrences in the general population are insufficient to allow any conclusion about variant significance. c.2386G>A has been reported in the literature with another VUS variant PMS2: c.1723A>G (p.Asn575Asp) in individuals affected with Lynch Syndrome or early-onset colorectal cancer without strong evidence for causality (example, Tung_2016, Yurgelun_2015, Pearlman_2017). These report(s) do not provide unequivocal conclusions about association of the variant with Lynch Syndrome. To our knowledge, no experimental evidence demonstrating an impact on protein function has been reported. The following publications have been ascertained in the context of this evaluation (PMID: 27978560, 26976419, 25980754). Four submitters have cited clinical-significance assessments for this variant to ClinVar after 2014. All submitters classified the variant as uncertain significance. Based on the evidence outlined above, the variant was classified as uncertain significance.

CHEO Genetics Diagnostic Laboratory, Children's Hospital of Eastern Ontario
Classification: Uncertain significance for Breast and/or ovarian cancer. Last evaluated: 2022-08-24. Review status: criteria provided, single submitter. Criteria: ACMG Guidelines, 2015. Collection method: clinical testing. Allele origin: germline.

Department of Pathology and Laboratory Medicine, Sinai Health System
Classification: Uncertain significance. Review status: no assertion criteria provided. Collection method: clinical testing. Allele origin: unknown. Affected: yes. Observed: 1 variant allele. Study: The Canadian Open Genetics Repository (COGR). Not counted in ClinVar's aggregate classification.
Comment: The PMS2 p.Val796Ile variant was identified in 3 of 4396 proband chromosomes (frequency: 0.0007) from individuals or families with lynch syndrome, colon, or breast cancer (Pearlman 2017, Tung 2016, Yurgelun 2015). The variant was also identified in dbSNP (ID: rs368737800) as "With Uncertain significance allele ", and in ClinVar (classified as uncertain significance by GeneDx, Ambry Genetics, Invitae). The variant was not identified in COGR, Cosmic, MutDB, Zhejiang University Database, Mismatch Repair Genes Variant Database, or Insight Hereditary Tumors Database. The variant was identified in control databases in 4 of 240828 chromosomes at a frequency of 0.00002 (Genome Aggregation Database Feb 27, 2017). The variant was observed in European population in 4 of 108128 chromosomes (freq: 0.00004), while the variant was not observed in the African, Other, Latino, Ashkenazi Jewish, East Asian, Finnish, and South Asian populations. The p.Val796 residue is conserved in mammals but not in more distantly related organisms however four out of five computational analyses (PolyPhen-2, SIFT, AlignGVGD, BLOSUM, MutationTaster) do not suggest a high likelihood of impact to the protein; this information is not predictive enough to rule out pathogenicity. The variant occurs outside of the splicing consensus sequence and in silico or computational prediction software programs (SpliceSiteFinder, MaxEntScan, NNSPLICE, GeneSplicer) do not predict a difference in splicing. In summary, based on the above information the clinical significance of this variant cannot be determined with certainty at this time. This variant is classified as a variant of uncertain significance.

Literature cited by the submitters: PubMed 25980754 (cited by 5 submitters); PubMed 26976419 (cited by 5 submitters); PubMed 27978560 (cited by 4 submitters); PubMed 38925456 (cited by Labcorp Genetics (formerly Invitae), Labcorp); PubMed 32885271 (cited by Quest Diagnostics Nichols Institute San Juan Capistrano).